The following is an entry in ClinVar:

ClinVar aggregate classification (germline): Uncertain significance (1 of 4 stars; one submission).

Conditions:
Hajdu-Cheney syndrome (HJCYS). Also called: ACROOSTEOLYSIS WITH OSTEOPOROSIS AND CHANGES IN SKULL AND MANDIBLE; SERPENTINE FIBULA-POLYCYSTIC KIDNEY SYNDROME; Acroosteolysis dominant type. Identifiers: Orphanet 955, MedGen C0917715, MONDO:0007057, OMIM 102500.

Submission:

Diagnostics Services (NGS), CSIR - Centre For Cellular And Molecular Biology
Classification: Uncertain significance for Hajdu-Cheney syndrome. Last evaluated: 2025-10-27. Review status: criteria provided, single submitter. Criteria: ACMG Guidelines, 2015. Collection method: clinical testing. Allele origin: germline. Observed: 1 variant allele, 1 heterozygote.
Comment: The c.6515C>A variant is not present in publicly available population databases like 1000 Genomes, EVS, gnomAD, Indian Exome Database, gnomAD or our internal database. This variant has neither been published in literature in individuals affected with NOTCH2-related conditions nor reported to the clinical databases like Human Genome Mutation Database (HGMD), ClinVar or OMIM, in any affected individuals. In-silico pathogenicity prediction programs like SIFT, Polyphen-2, MutationTaster2, CADD, etc predicted this variant to be likely deleterious, however these predictions were not confirmed by published functional studies.

NM_024408.4(NOTCH2):c.6515C>A (p.Ser2172Tyr)

Gene: NOTCH2 (notch receptor 2; minus strand). Cytogenetic location: 1p12.
Variant type: single nucleotide variant.
Coding change: c.6515C>A on transcript NM_024408.4 (MANE Select); coding-DNA position 6515, C replaced by A.
Protein change: p.Ser2172Tyr; replaces serine 2172 with tyrosine.
Molecular consequence: missense variant.
Genome position (GRCh38, 1-based): chr1:119,916,207, G>T on the plus strand (C>A on the coding strand, the complement: NOTCH2 is on the minus strand). VCF-style: chr1-119916207-G-T. GRCh37 (hg19) VCF-style: chr1-120458830-G-T.
Other names: short protein forms S2172Y.
Identifiers: ClinVar variation 4533264 (VCV004533264.1).
Genomic context (GRCh38, chr1:119,916,207, plus strand): 5'-GGGGCAGGAGGGGCGGCAGTGGCCAACATAGGGTTGGGTGAGGCCTGTAAGATCCCAGGG[G>T]ATGTAATCATTGGAGAGGATGTGGTGTCGGAAACATACGTGTGAGGAGATTCTAGGGAAT-3'
Protein context (NP_077719.2, residues 2162-2182): SDTTSSPMIT[Ser2172Tyr]PGILQASPNP